The following is an entry in ClinVar:

ClinVar aggregate classification (germline): Uncertain significance (1 of 4 stars; one submission).

Conditions:
Brugada syndrome 8 (BRGDA8). Identifiers: Orphanet 130, MedGen C2751083, MONDO:0013148, OMIM 613123.

Submission:

Labcorp Genetics (formerly Invitae), Labcorp
Classification: Uncertain significance for Brugada syndrome 8. Last evaluated: 2026-01-11. Review status: criteria provided, single submitter. Criteria: Invitae Variant Classification Sherloc (09022015). Collection method: clinical testing. Allele origin: germline.
Comment: This sequence change replaces proline, which is neutral and non-polar, with alanine, which is neutral and non-polar, at codon 1001 of the HCN4 protein (p.Pro1001Ala). This variant is not present in population databases (gnomAD no frequency). This variant has not been reported in the literature in individuals affected with HCN4-related conditions. Invitae Evidence Modeling of protein sequence and biophysical properties (such as structural, functional, and spatial information, amino acid conservation, physicochemical variation, residue mobility, and thermodynamic stability) indicates that this missense variant is not expected to disrupt HCN4 protein function with a negative predictive value of 95%. In summary, the available evidence is currently insufficient to determine the role of this variant in disease. Therefore, it has been classified as a Variant of Uncertain Significance.

NM_005477.3(HCN4):c.3001C>G (p.Pro1001Ala)

Gene: HCN4 (hyperpolarization activated cyclic nucleotide gated potassium channel 4; minus strand). Cytogenetic location: 15q24.1.
Variant type: single nucleotide variant.
Coding change: c.3001C>G on transcript NM_005477.3 (MANE Select); coding-DNA position 3001, C replaced by G.
Protein change: p.Pro1001Ala; replaces proline 1001 with alanine.
Molecular consequence: missense variant.
Genome position (GRCh38, 1-based): chr15:73,323,092, G>C on the plus strand (C>G on the coding strand, the complement: HCN4 is on the minus strand). VCF-style: chr15-73323092-G-C. GRCh37 (hg19) VCF-style: chr15-73615433-G-C.
Other names: short protein forms P1001A.
Identifiers: ClinVar variation 4802397 (VCV004802397.1).